The following is an entry in ClinVar:

NM_000124.4(ERCC6):c.2951del (p.Asn984fs)

Gene: ERCC6 (ERCC excision repair 6, chromatin remodeling factor; minus strand). Cytogenetic location: 10q11.23.
Variant type: Deletion.
Coding change: c.2951del on transcript NM_000124.4 (MANE Select); coding-DNA position 2951, one base deleted (A; older notation c.2951delA).
Protein change: p.Asn984fs; shifts the reading frame from asparagine 984.
Molecular consequence: frameshift variant.
Genome position (GRCh38, 1-based): chr10:49,471,094, T deleted on the plus strand (A on the coding strand, the reverse complement: ERCC6 is on the minus strand); the first of 3 consecutive T bases (chr10:49,471,094-49,471,096); deleting any one gives the same sequence. VCF-style (leftmost placement, unchanged base first): chr10-49471093-AT-A. GRCh37 (hg19) VCF-style: chr10-50679139-AT-A.
Other names: c.2951del, p.Asn984fs (NM_001346440.2); short protein forms N984fs.
Identifiers: ClinVar variation 1411859 (VCV001411859.6), dbSNP rs2132538134, ClinGen allele CA2573145166.

ClinVar aggregate classification (germline): Pathogenic (1 of 4 stars; one submission).

Submission:

Labcorp Genetics (formerly Invitae), Labcorp
Classification: Pathogenic. Last evaluated: 2021-09-24. Review status: criteria provided, single submitter. Criteria: Invitae Variant Classification Sherloc (09022015). Collection method: clinical testing. Allele origin: germline.
Comment: This sequence change creates a premature translational stop signal (p.Asn984Ilefs*4) in the ERCC6 gene. It is expected to result in an absent or disrupted protein product. Loss-of-function variants in ERCC6 are known to be pathogenic (PMID: 18628313, 29572252). This variant is not present in population databases (ExAC no frequency). This variant has not been reported in the literature in individuals affected with ERCC6-related conditions. For these reasons, this variant has been classified as Pathogenic.

Literature cited by the submitters: PubMed 18628313; PubMed 29572252.